The following is an entry in ClinVar:

NM_001039141.3(TRIOBP):c.1772A>G (p.Asn591Ser)

Gene: TRIOBP (TRIO and F-actin binding protein; plus strand). Cytogenetic location: 22q13.1.
Variant type: single nucleotide variant.
Coding change: c.1772A>G on transcript NM_001039141.3 (MANE Select); coding-DNA position 1772, A replaced by G.
Protein change: p.Asn591Ser; replaces asparagine 591 with serine.
Molecular consequence: missense variant.
Genome position (GRCh38, 1-based): chr22:37,724,328, A>G. VCF-style: chr22-37724328-A-G. GRCh37 (hg19) VCF-style: chr22-38120335-A-G.
Other names: c.1772A>G (NM_001039141.2); short protein forms N591S.
Identifiers: ClinVar variation 1353943 (VCV001353943.9), dbSNP rs764911741, ClinGen allele CA10223678.

ClinVar aggregate classification (germline): Uncertain significance. Review status: criteria provided, multiple submitters, no conflicts (2 of 4 stars). 4 submissions from 4 submitters: Uncertain significance (3). 1 of the submissions does not count toward it. Last evaluated 2024-09-04.

Conditions:
TRIOBP-related disorder. Also called: TRIOBP-related condition.

Allele frequency attached by ClinVar (database versions not stated): gnomAD exomes 0.00004; gnomAD 0.00023 and 0.00024; 1000 Genomes Project 30x 0.00047; ExAC 0.00102.

Submissions (4):

Blueprint Genetics
Classification: Uncertain significance. Last evaluated: 2024-09-04. Review status: criteria provided, single submitter. Criteria: ACMG Guidelines, 2015. Collection method: clinical testing. Allele origin: germline.

Labcorp Genetics (formerly Invitae), Labcorp
Classification: Uncertain significance. Last evaluated: 2021-09-17. Review status: criteria provided, single submitter. Criteria: Invitae Variant Classification Sherloc (09022015). Collection method: clinical testing. Allele origin: germline.
Comment: This sequence change replaces asparagine with serine at codon 591 of the TRIOBP protein (p.Asn591Ser). The asparagine residue is weakly conserved and there is a small physicochemical difference between asparagine and serine. The frequency data for this variant in the population databases is considered unreliable, as metrics indicate poor data quality at this position in the ExAC database. This variant has not been reported in the literature in individuals affected with TRIOBP-related conditions. Algorithms developed to predict the effect of missense changes on protein structure and function output the following: SIFT: "Deleterious"; PolyPhen-2: "Benign"; Align-GVGD: "Class C0". The serine amino acid residue is found in multiple mammalian species, which suggests that this missense change does not adversely affect protein function. Algorithms developed to predict the effect of sequence changes on RNA splicing suggest that this variant may create or strengthen a splice site. In summary, the available evidence is currently insufficient to determine the role of this variant in disease. Therefore, it has been classified as a Variant of Uncertain Significance.

Breakthrough Genomics
Classification: Uncertain significance. Review status: criteria provided, single submitter. Criteria: ACMG Guidelines, 2015. Collection method: not provided. Allele origin: germline. Inheritance: Autosomal dominant inheritance. Affected: yes.

PreventionGenetics, part of Exact Sciences
Classification: Likely benign for TRIOBP-related condition. Last evaluated: 2022-01-27. Review status: no assertion criteria provided. Collection method: clinical testing. Allele origin: germline. Not counted in ClinVar's aggregate classification.
Comment: This variant is classified as likely benign based on ACMG/AMP sequence variant interpretation guidelines (Richards et al. 2015 PMID: 25741868, with internal and published modifications).